The following is an entry in ClinVar:

ClinVar aggregate classification (germline): Pathogenic/Likely pathogenic. Review status: criteria provided, multiple submitters, no conflicts (2 of 4 stars). 3 submissions from 3 submitters: Pathogenic (1); Likely pathogenic (2). Last evaluated 2024-05-16.

Conditions:
NPHP1-related disorder. Also called: NPHP1-related disorders; NPHP1-related condition.
Nephronophthisis. Also called: Juvenile Nephronophthisis. Identifiers: MedGen C0687120, MONDO:0019005, HP:0000090, Orphanet 655.
Joubert syndrome with renal defect. Also called: JOUBERT SYNDROME 4. Identifiers: Orphanet 220497, MedGen C1846790, MONDO:0012308, OMIM 609583.

Submissions (3):

Blueprint Genetics
Classification: Likely pathogenic for NPHP1-related disorders. Last evaluated: 2024-05-16. Review status: criteria provided, single submitter. Criteria: ACMG Guidelines, 2015. Collection method: clinical testing. Allele origin: germline. Affected: yes. Observed: 1 variant allele.

Labcorp Genetics (formerly Invitae), Labcorp
Classification: Pathogenic for Nephronophthisis. Last evaluated: 2024-02-02. Review status: criteria provided, single submitter. Criteria: Invitae Variant Classification Sherloc (09022015). Collection method: clinical testing. Allele origin: germline.
Comment: This sequence change creates a premature translational stop signal (p.Thr517Tyrfs*4) in the NPHP1 gene. It is expected to result in an absent or disrupted protein product. Loss-of-function variants in NPHP1 are known to be pathogenic (PMID: 23559409). This variant is not present in population databases (gnomAD no frequency). This variant has not been reported in the literature in individuals affected with NPHP1-related conditions. ClinVar contains an entry for this variant (Variation ID: 1075465). For these reasons, this variant has been classified as Pathogenic.

Baylor Genetics
Classification: Likely pathogenic for Joubert syndrome with renal defect. Last evaluated: 2023-06-01. Review status: criteria provided, single submitter. Criteria: ACMG Guidelines, 2015. Collection method: clinical testing. Allele origin: unknown.

Literature cited by the submitters: PubMed 23559409 (cited by Labcorp Genetics (formerly Invitae), Labcorp).

NM_001128178.3(NPHP1):c.1379dup (p.Thr461fs)

Gene: NPHP1 (nephrocystin 1; minus strand). Cytogenetic location: 2q13.
Variant type: Duplication.
Coding change: c.1379dup on transcript NM_001128178.3 (MANE Select); coding-DNA position 1379, one base duplicated (G; older notation c.1379dupG).
Protein change: p.Thr461fs; shifts the reading frame from threonine 461.
Molecular consequence: frameshift variant.
Genome position (GRCh38, 1-based): chr2:110,144,543, C duplicated on the plus strand (G on the coding strand, the reverse complement: NPHP1 is on the minus strand); the first of 2 consecutive C bases (chr2:110,144,543-110,144,544); duplicating either gives the same sequence. VCF-style (leftmost placement, unchanged base first): chr2-110144542-A-AC. GRCh37 (hg19) VCF-style: chr2-110902119-A-AC.
Other names: c.1547dup, p.Thr517fs (NM_000272.5); c.1190dup, p.Thr398fs (NM_001128179.3); c.1376dup, p.Thr460fs (NM_001374256.1); c.1379dup, p.Thr461fs (NM_001374257.1); c.1544dup, p.Thr516fs (NM_207181.4); short protein forms T398fs, T460fs, T461fs, T516fs, T517fs.
Identifiers: ClinVar variation 1075465 (VCV001075465.9), dbSNP rs2104483923, ClinGen allele CA2499214948.